The following is an entry in ClinVar:

NM_003613.4(CILP):c.1343G>A (p.Arg448His)

Gene: CILP (cartilage intermediate layer protein; minus strand). Cytogenetic location: 15q22.31.
Variant type: single nucleotide variant.
Coding change: c.1343G>A on transcript NM_003613.4 (MANE Select); coding-DNA position 1343, G replaced by A.
Protein change: p.Arg448His; replaces arginine 448 with histidine.
Molecular consequence: missense variant.
Genome position (GRCh38, 1-based): chr15:65,198,943, C>T on the plus strand (G>A on the coding strand, the complement: CILP is on the minus strand). VCF-style: chr15-65198943-C-T. GRCh37 (hg19) VCF-style: chr15-65491281-C-T.
Other names: short protein forms R448H.
Identifiers: ClinVar variation 3034274 (VCV003034274.2), dbSNP rs35714337, ClinGen allele CA7615527.

ClinVar aggregate classification (germline): Benign (0 of 4 stars; one submission).

Conditions:
CILP-related disorder. Also called: CILP-related condition.

Allele frequency attached by ClinVar (database versions not stated): TOPMed 0.00107; gnomAD 0.00121; ESP Exome Variant Server 0.00123; gnomAD exomes 0.00153; ExAC 0.00254; 1000 Genomes Project 30x 0.00312; 1000 Genomes Project 0.00379.
gnomAD v4.1: 2,464 of 1,614,014 alleles (0.15%); highest among the groups gnomAD compares: Middle Eastern, 1.8%; 23 homozygotes.

Submission:

PreventionGenetics, part of Exact Sciences
Classification: Benign for CILP-related condition. Last evaluated: 2019-06-10. Review status: no assertion criteria provided. Collection method: clinical testing. Allele origin: germline.
Comment: This variant is classified as benign based on ACMG/AMP sequence variant interpretation guidelines (Richards et al. 2015 PMID: 25741868, with internal and published modifications).